The following is an entry in ClinVar:

NM_007183.4(PKP3):c.1331C>T (p.Thr444Met)

Gene: PKP3 (plakophilin 3; plus strand). Cytogenetic location: 11p15.5.
Variant type: single nucleotide variant.
Coding change: c.1331C>T on transcript NM_007183.4 (MANE Select); coding-DNA position 1331, C replaced by T.
Protein change: p.Thr444Met; replaces threonine 444 with methionine.
Molecular consequence: missense variant.
Genome position (GRCh38, 1-based): chr11:400,024, C>T. VCF-style: chr11-400024-C-T. GRCh37 (hg19) VCF-style: chr11-400024-C-T.
Other names: c.1376C>T, p.Thr459Met (NM_001303029.2); short protein forms T444M, T459M.
Identifiers: ClinVar variation 3770476 (VCV003770476.13).

ClinVar aggregate classification (germline): Benign (1 of 4 stars; one submission).

gnomAD v4.1: 15,156 of 1,607,886 alleles (0.94%); highest among the groups gnomAD compares: Middle Eastern, 1.2%; 93 homozygotes.

Submission:

CeGaT Center for Human Genetics Tuebingen
Classification: Benign. Last evaluated: 2025-01-01. Review status: criteria provided, single submitter. Criteria: CeGaT Center For Human Genetics Tuebingen Variant Classification Criteria Version 2. Collection method: clinical testing. Allele origin: germline. Affected: yes. Observed: 1 variant allele.
Comment: PKP3: BS1, BS2